The following is an entry in ClinVar:

ClinVar aggregate classification (germline): Uncertain significance. Review status: criteria provided, multiple submitters, no conflicts (2 of 4 stars). 2 submissions from 2 submitters: Uncertain significance (2). Last evaluated 2021-12-08.

Conditions:
Primary ciliary dyskinesia. Also called: Ciliary dyskinesia. Identifiers: Orphanet 244, MedGen C0008780, MONDO:0016575, HP:0012265.

Allele frequency attached by ClinVar (database versions not stated): gnomAD 0.00001; TOPMed 0.00001; ESP Exome Variant Server 0.00008.
gnomAD v4.1: 2 of 1,613,794 alleles (0.00012%); highest among the groups gnomAD compares: Admixed American, 0.0017%; no homozygotes.

Submissions (2):

UNC Molecular Genetics  Laboratory, University of North Carolina at Chapel Hill
Classification: Uncertain significance for Primary ciliary dyskinesia. Last evaluated: 2021-12-08. Review status: criteria provided, single submitter. Criteria: ACMG Guidelines, 2015. Collection method: clinical testing. Allele origin: germline. Observed: 1 heterozygote.

Labcorp Genetics (formerly Invitae), Labcorp
Classification: Uncertain significance for Primary ciliary dyskinesia. Last evaluated: 2021-08-14. Review status: criteria provided, single submitter. Criteria: Invitae Variant Classification Sherloc (09022015). Collection method: clinical testing. Allele origin: germline.
Comment: This sequence change replaces asparagine with serine at codon 1105 of the DNAH5 protein (p.Asn1105Ser). The asparagine residue is highly conserved and there is a small physicochemical difference between asparagine and serine. This variant is not present in population databases (ExAC no frequency). This variant has not been reported in the literature in individuals affected with DNAH5-related conditions. Advanced modeling of protein sequence and biophysical properties (such as structural, functional, and spatial information, amino acid conservation, physicochemical variation, residue mobility, and thermodynamic stability) performed at Invitae indicates that this missense variant is not expected to disrupt DNAH5 protein function. In summary, the available evidence is currently insufficient to determine the role of this variant in disease. Therefore, it has been classified as a Variant of Uncertain Significance.

NM_001369.3(DNAH5):c.3314A>G (p.Asn1105Ser)

Genes: DNAH5 (dynein axonemal heavy chain 5; minus strand), DNAH5-AS1 (DNAH5 antisense RNA 1; plus strand). Cytogenetic location: 5p15.2.
Variant type: single nucleotide variant.
Coding change: c.3314A>G on transcript NM_001369.3 (MANE Select); coding-DNA position 3314, A replaced by G.
Protein change: p.Asn1105Ser; replaces asparagine 1105 with serine.
Molecular consequence: missense variant.
Genome position (GRCh38, 1-based): chr5:13,876,766, T>C on the plus strand (A>G on the coding strand, the complement: DNAH5 is on the minus strand). VCF-style: chr5-13876766-T-C. GRCh37 (hg19) VCF-style: chr5-13876875-T-C.
Other names: short protein forms N1105S.
Identifiers: ClinVar variation 1496355 (VCV001496355.6), dbSNP rs371783309, ClinGen allele CA113926987.